The following is an entry in ClinVar:

ClinVar aggregate classification (germline): Uncertain significance (1 of 4 stars; one submission).

Submission:

GeneDx
Classification: Uncertain significance. Last evaluated: 2024-05-15. Review status: criteria provided, single submitter. Criteria: GeneDx Variant Classification Process June 2021. Collection method: clinical testing. Allele origin: germline. Affected: yes.
Comment: Not observed at significant frequency in large population cohorts (gnomAD); In silico analysis indicates that this missense variant does not alter protein structure/function; Has not been previously published as pathogenic or benign to our knowledge

NM_006734.4(HIVEP2):c.3739T>G (p.Phe1247Val)

Gene: HIVEP2 (HIVEP zinc finger 2; minus strand). Cytogenetic location: 6q24.2.
Variant type: single nucleotide variant.
Coding change: c.3739T>G on transcript NM_006734.4 (MANE Select); coding-DNA position 3739, T replaced by G.
Protein change: p.Phe1247Val; replaces phenylalanine 1247 with valine.
Molecular consequence: missense variant.
Genome position (GRCh38, 1-based): chr6:142,771,000, A>C on the plus strand (T>G on the coding strand, the complement: HIVEP2 is on the minus strand). VCF-style: chr6-142771000-A-C. GRCh37 (hg19) VCF-style: chr6-143092137-A-C.
Other names: short protein forms F1247V.
Identifiers: ClinVar variation 3378376 (VCV003378376.1).
Genomic context (GRCh38, chr6:142,771,000, plus strand): 5'-TCTTTCCAGTGTGCTCTGCCACATGCTCTAAGGGATAGCTCGAATGGATTTCTGTCTGAA[A>C]AGAGGGCTTGCCATAGCTCTTCTGAGGGTGCTGAGCAAAGGGATGTGGGAAATGTGCCTG-3'
Protein context (NP_006725.3, residues 1237-1257): HPQKSYGKPS[Phe1247Val]QTEIHSSYPL